The following is an entry in ClinVar:

NM_182760.4(SUMF1):c.1003A>G (p.Met335Val)

Gene: SUMF1 (sulfatase modifying factor 1; minus strand). Cytogenetic location: 3p26.1.
Variant type: single nucleotide variant.
Coding change: c.1003A>G on transcript NM_182760.4 (MANE Select); coding-DNA position 1003, A replaced by G.
Protein change: p.Met335Val; replaces methionine 335 with valine.
Molecular consequence: missense variant. On other transcripts: intron variant (1).
Genome position (GRCh38, 1-based): chr3:4,376,341, T>C on the plus strand (A>G on the coding strand, the complement: SUMF1 is on the minus strand). VCF-style: chr3-4376341-T-C. GRCh37 (hg19) VCF-style: chr3-4418025-T-C.
Other names: c.928A>G, p.Met310Val (NM_001164674.2); c.955-14087A>G (NM_001164675.2); short protein forms M310V, M335V.
Identifiers: ClinVar variation 1411900 (VCV001411900.3), dbSNP rs2124845082, ClinGen allele CA351628210.

ClinVar aggregate classification (germline): Uncertain significance (1 of 4 stars; one submission).

Conditions:
Multiple sulfatase deficiency (MSD). Also called: Mucosulfatidosis; Multiple Sulfatase Deficiency Disease; Sulfatidosis, Juvenile, Austin Type. Identifiers: Orphanet 585, MedGen C0268263, MONDO:0010088, OMIM 272200.

gnomAD v4.1: 2 of 1,614,152 alleles (0.00012%); highest among the groups gnomAD compares: Non-Finnish European, 0.00017%; no homozygotes.

Submission:

Labcorp Genetics (formerly Invitae), Labcorp
Classification: Uncertain significance for Multiple sulfatase deficiency. Last evaluated: 2021-10-20. Review status: criteria provided, single submitter. Criteria: Invitae Variant Classification Sherloc (09022015). Collection method: clinical testing. Allele origin: germline.
Comment: This sequence change replaces methionine with valine at codon 335 of the SUMF1 protein (p.Met335Val). The methionine residue is highly conserved and there is a small physicochemical difference between methionine and valine. This variant is not present in population databases (ExAC no frequency). This variant has not been reported in the literature in individuals with SUMF1-related conditions. Algorithms developed to predict the effect of missense changes on protein structure and function are either unavailable or do not agree on the potential impact of this missense change (SIFT: "Deleterious"; PolyPhen-2: "Benign"; Align-GVGD: "Class C0"). In summary, the available evidence is currently insufficient to determine the role of this variant in disease. Therefore, it has been classified as a Variant of Uncertain Significance.